The following is an entry in ClinVar:

ClinVar aggregate classification (germline): Likely benign. Review status: criteria provided, multiple submitters, no conflicts (2 of 4 stars). 3 submissions from 3 submitters: Likely benign (2). 1 of the submissions does not count toward it. Last evaluated 2022-03-29.

Conditions:
Inborn genetic diseases. Identifiers: MedGen C0950123, MeSH D030342.
Complex neurodevelopmental disorder. Identifiers: Orphanet 528084, MedGen C5568766, MONDO:0100038.
CHAMP1-related disorder. Also called: CHAMP1-related condition.

Allele frequency attached by ClinVar (database versions not stated): TOPMed 0.00030; ESP Exome Variant Server 0.00031; gnomAD 0.00036.
gnomAD v4.1: 113 of 1,612,480 alleles (0.007%); highest among the groups gnomAD compares: African/African-American, 0.11%; no homozygotes.

Submissions (3):

Ambry Genetics
Classification: Likely benign for Inborn genetic diseases. Last evaluated: 2022-03-29. Review status: criteria provided, single submitter. Criteria: Ambry Variant Classification Scheme 2023. Collection method: clinical testing. Allele origin: germline.

Department of Pathology and Laboratory Medicine, Sinai Health System
Classification: Likely benign for complex neurodevelopmental disorder. Last evaluated: 2022-02-17. Review status: criteria provided, single submitter. Criteria: ACMG Guidelines, 2015. Collection method: research. Allele origin: germline.

PreventionGenetics, part of Exact Sciences
Classification: Likely benign for CHAMP1-related condition. Last evaluated: 2022-09-08. Review status: no assertion criteria provided. Collection method: clinical testing. Allele origin: germline. Not counted in ClinVar's aggregate classification.
Comment: This variant is classified as likely benign based on ACMG/AMP sequence variant interpretation guidelines (Richards et al. 2015 PMID: 25741868, with internal and published modifications).

NM_032436.4(CHAMP1):c.38G>A (p.Arg13His)

Gene: CHAMP1 (chromosome alignment maintaining phosphoprotein 1; plus strand). Cytogenetic location: 13q34.
Variant type: single nucleotide variant.
Coding change: c.38G>A on transcript NM_032436.4 (MANE Select); coding-DNA position 38, G replaced by A.
Protein change: p.Arg13His; replaces arginine 13 with histidine.
Molecular consequence: missense variant.
Genome position (GRCh38, 1-based): chr13:114,323,880, G>A. VCF-style: chr13-114323880-G-A. GRCh37 (hg19) VCF-style: chr13-115089355-G-A.
Other names: c.38G>A, p.Arg13His (NM_001164144.3, NM_001164145.3); c.38G>A (NM_001164145.2); short protein forms R13H.
Identifiers: ClinVar variation 2362119 (VCV002362119.5), dbSNP rs138074590, ClinGen allele CA7070576.
Genomic context (GRCh38, chr13:114,323,880, plus strand): 5'-GTGTGTTGGTAACAGACAGAAGAATGGAAGCATTCCAGGAACTTCGTAAACCATCAGCAC[G>A]TTTGGAGTGTGACCATTGCAGTTTCAGAGGCACAGACTATGAAAATGTACAAATCCATAT-3'
Protein context (NP_115812.1, residues 3-23): AFQELRKPSA[Arg13His]LECDHCSFRG